The following is an entry in ClinVar:

NM_001077418.3(TMEM231):c.47G>A (p.Arg16His)

Gene: TMEM231 (transmembrane protein 231; minus strand). Cytogenetic location: 16q23.1.
Variant type: single nucleotide variant.
Coding change: c.47G>A on transcript NM_001077418.3 (MANE Select); coding-DNA position 47, G replaced by A.
Protein change: p.Arg16His; replaces arginine 16 with histidine.
Molecular consequence: missense variant. On other transcripts: non-coding transcript variant (1).
Genome position (GRCh38, 1-based): chr16:75,556,163, C>T on the plus strand (G>A on the coding strand, the complement: TMEM231 is on the minus strand). VCF-style: chr16-75556163-C-T. GRCh37 (hg19) VCF-style: chr16-75590061-C-T.
Other names: c.109G>A, p.Ala37Thr (NM_001077416.2); short protein forms R16H, A37T.
Identifiers: ClinVar variation 2080155 (VCV002080155.5), dbSNP rs780891174, ClinGen allele CA8176310.

ClinVar aggregate classification (germline): Uncertain significance. Review status: criteria provided, multiple submitters, no conflicts (2 of 4 stars). 2 submissions from 2 submitters: Uncertain significance (2). Last evaluated 2022-08-21.

Conditions:
Inborn genetic diseases. Identifiers: MedGen C0950123, MeSH D030342.
Joubert syndrome 20 (JBTS20). Identifiers: Orphanet 475, MedGen C3554235, MONDO:0013994, OMIM 614970.
Meckel syndrome, type 11 (MKS11). Identifiers: Orphanet 564, MedGen C3809352, MONDO:0014164, OMIM 615397.

Allele frequency attached by ClinVar (database versions not stated): gnomAD exomes below 0.00001; TOPMed below 0.00001; ExAC 0.00003.
gnomAD v4.1: 5 of 1,547,300 alleles (0.00032%); highest among the groups gnomAD compares: Non-Finnish European, 0.00035%; no homozygotes.

Submissions (2):

Labcorp Genetics (formerly Invitae), Labcorp
Classification: Uncertain significance for Joubert syndrome 20; Meckel syndrome, type 11. Last evaluated: 2022-08-21. Review status: criteria provided, single submitter. Criteria: Invitae Variant Classification Sherloc (09022015). Collection method: clinical testing. Allele origin: germline.
Comment: In summary, the available evidence is currently insufficient to determine the role of this variant in disease. Therefore, it has been classified as a Variant of Uncertain Significance. Algorithms developed to predict the effect of missense changes on protein structure and function are either unavailable or do not agree on the potential impact of this missense change (SIFT: "Deleterious"; PolyPhen-2: "Not Available"; Align-GVGD: "Class C0"). This variant has not been reported in the literature in individuals affected with TMEM231-related conditions. The frequency data for this variant in the population databases is considered unreliable, as metrics indicate poor data quality at this position in the gnomAD database. This sequence change replaces alanine, which is neutral and non-polar, with threonine, which is neutral and polar, at codon 37 of the TMEM231 protein (p.Ala37Thr).

Ambry Genetics
Classification: Uncertain significance for Inborn genetic diseases. Last evaluated: 2021-11-12. Review status: criteria provided, single submitter. Criteria: Ambry Variant Classification Scheme 2023. Collection method: clinical testing. Allele origin: germline.